The following is an entry in ClinVar:

NM_000424.4(KRT5):c.529A>T (p.Asn177Tyr)

Gene: KRT5 (keratin 5; minus strand). Cytogenetic location: 12q13.13.
Variant type: single nucleotide variant.
Coding change: c.529A>T on transcript NM_000424.4 (MANE Select); coding-DNA position 529, A replaced by T.
Protein change: p.Asn177Tyr; replaces asparagine 177 with tyrosine.
Molecular consequence: missense variant.
Genome position (GRCh38, 1-based): chr12:52,519,768, T>A on the plus strand (A>T on the coding strand, the complement: KRT5 is on the minus strand). VCF-style: chr12-52519768-T-A. GRCh37 (hg19) VCF-style: chr12-52913552-T-A.
Other names: short protein forms N177Y.
Identifiers: ClinVar variation 1333429 (VCV001333429.1), dbSNP rs1938679596, ClinGen allele CA384928820.

ClinVar aggregate classification (germline): Likely pathogenic (1 of 4 stars; one submission).

Conditions:
Epidermolysis bullosa simplex 1A, generalized severe (EBS1A). Also called: Epidermolysis bullosa simplex Dowling-Meara type. Identifiers: Orphanet 79396, MedGen C0079295, MONDO:0007550, OMIM 131760.

Submission:

3billion
Classification: Likely pathogenic for Epidermolysis bullosa simplex 1A, generalized severe. Last evaluated: 2022-01-03. Review status: criteria provided, single submitter. Criteria: ACMG Guidelines, 2015. Collection method: clinical testing. Allele origin: germline. Affected: yes. Observed: 1 heterozygote.
Comment: The variant is located in a well-established functional domain or exonic hotspot, where pathogenic variants have frequently reported (PM1_M). A different missense change at the same codon has been reported to be associated with KRT5 related disorder (PMID:15140024, PM5_P). In silico tool predictions suggest damaging effect of the variant on gene or gene product (REVEL: 0.884, 3CNET: 0.978, PP3_P). A missense variant is a common mechanism associated with Epidermolysis bullosa simplex (PP2_P). It is not observed in the gnomAD v2.1.1 dataset (PM2_M). Therefore, this variant is classified as likely pathogenic according to the recommendation of ACMG/AMP guideline.

Literature cited by the submitters: PubMed 15140024.